The following is an entry in ClinVar:

NM_018972.4(GDAP1):c.620A>C (p.Lys207Thr)

Gene: GDAP1 (ganglioside induced differentiation associated protein 1; plus strand). Cytogenetic location: 8q21.11.
Variant type: single nucleotide variant.
Coding change: c.620A>C on transcript NM_018972.4 (MANE Select); coding-DNA position 620, A replaced by C.
Protein change: p.Lys207Thr; replaces lysine 207 with threonine.
Molecular consequence: missense variant.
Genome position (GRCh38, 1-based): chr8:74,362,979, A>C. VCF-style: chr8-74362979-A-C. GRCh37 (hg19) VCF-style: chr8-75275214-A-C.
Other names: c.416A>C, p.Lys139Thr (NM_001040875.4); c.293A>C, p.Lys98Thr (NM_001362929.2, NM_001362932.2); c.446A>C, p.Lys149Thr (NM_001362930.2); c.620A>C, p.Lys207Thr (NM_001362931.2); short protein forms K207T, K149T, K98T, K139T.
Identifiers: ClinVar variation 535791 (VCV000535791.55), dbSNP rs140384868, ClinGen allele CA4785153.

ClinVar aggregate classification (germline): Uncertain significance. Review status: criteria provided, multiple submitters, no conflicts (2 of 4 stars). 5 submissions from 5 submitters: Uncertain significance (4). 1 of the submissions does not count toward it. Last evaluated 2026-08-01.

Conditions:
Charcot-Marie-Tooth disease type 4A. Also called: Charcot-Marie-Tooth disease, demyelinating, autosomal recessive, type 4a. Identifiers: Orphanet 99948, MedGen C1859198, MONDO:0008961, OMIM 214400.
Tip-toe gait. Also called: Toe walking. Identifiers: MedGen C0427144, HP:0030051.
Inborn genetic diseases. Identifiers: MedGen C0950123, MeSH D030342.

Allele frequency attached by ClinVar (database versions not stated): gnomAD 0.00001 and 0.00002; ExAC 0.00002; gnomAD exomes 0.00002; TOPMed 0.00002; ESP Exome Variant Server 0.00008.
gnomAD v4.1: 32 of 1,593,178 alleles (0.002%); highest among the groups gnomAD compares: Middle Eastern, 0.13%; no homozygotes.

Submissions (5):

CeGaT Center for Human Genetics Tuebingen
Classification: Uncertain significance. Last evaluated: 2026-08-01. Review status: criteria provided, single submitter. Criteria: CeGaT Center For Human Genetics Tuebingen Variant Classification Criteria Version 2. Collection method: clinical testing. Allele origin: germline. Affected: yes. Observed: 2 variant alleles.
Comment: GDAP1: PM2, PP3

Ambry Genetics
Classification: Uncertain significance for Inborn genetic diseases. Last evaluated: 2025-04-27. Review status: criteria provided, single submitter. Criteria: Ambry Variant Classification Scheme 2023. Collection method: clinical testing. Allele origin: germline.

Labcorp Genetics (formerly Invitae), Labcorp
Classification: Uncertain significance for Charcot-Marie-Tooth disease type 4A. Last evaluated: 2025-03-17. Review status: criteria provided, single submitter. Criteria: Invitae Variant Classification Sherloc (09022015). Collection method: clinical testing. Allele origin: germline.
Comment: This sequence change replaces lysine, which is basic and polar, with threonine, which is neutral and polar, at codon 207 of the GDAP1 protein (p.Lys207Thr). This variant is present in population databases (rs140384868, gnomAD 0.006%). This missense change has been observed in individual(s) with clinical features of autosomal dominant Charcot-Marie-Tooth disease (PMID: 33903021). ClinVar contains an entry for this variant (Variation ID: 535791). Invitae Evidence Modeling of protein sequence and biophysical properties (such as structural, functional, and spatial information, amino acid conservation, physicochemical variation, residue mobility, and thermodynamic stability) indicates that this missense variant is not expected to disrupt GDAP1 protein function with a negative predictive value of 80%. In summary, the available evidence is currently insufficient to determine the role of this variant in disease. Therefore, it has been classified as a Variant of Uncertain Significance.

Revvity Omics, Revvity
Classification: Uncertain significance. Last evaluated: 2023-05-04. Review status: criteria provided, single submitter. Criteria: ACMG Guidelines, 2015. Collection method: clinical testing. Allele origin: germline.

Practice for Gait Abnormalities, David Pomarino, Competency Network Toe Walking C/o Practice Pomarino
Classification: Uncertain significance for Tip-toe gait. Last evaluated: 2023-06-02. Review status: no assertion criteria provided. Collection method: clinical testing. Allele origin: germline. Affected: yes. Not counted in ClinVar's aggregate classification.
Comment: Hereditary motor sensory neuropathy (HMSN), also known as Charcot-Marie-Tooth Disease (CMT), is the most commonly inherited peripheral polyneuropathy. It constitutes a group of inherited, progressive, motor and sensory peripheral nerve disorders with properties of demyelination, axonal degeneration, or both. It is classified by clinical characteristics, modes of inheritance, electrophysiologic features, metabolic defects, and specific gene markers. Our patients all walk on tiptoe, so they show similar symptoms. When we genetically test them with our toe walking panel, we find that around 90 per cent of them have a genetic variant that explains their toe walking. These can be assigned, for example, to the area of myopathies (such as variants of the COL6A3 gene), the area of hereditary neuropathies (such as variants of the KMT2C gene) or the area of metabolic diseases (such as variants of the PYGM gene). In a smaller group of patients with almost identical symptoms, no abnormality is found in the genes of our panel, but spastic paraplegia can be detected. In another small group of our toe walkers, no abnormalities can be detected in the genes analysed in our toe walking panel, nor do they suffer from spastic paraplegia, as is also the case with healthy children. In contrast to these, however, they show a tiptoe gait. These patients suffer from infantile cerebral palsy, in which toe walking can also be observed.

Literature cited by the submitters: PubMed 33903021 (cited by Labcorp Genetics (formerly Invitae), Labcorp); PubMed 37091313 (cited by Practice for Gait Abnormalities, David Pomarino, Competency Network Toe Walking C/o Practice Pomarino).